The following is an entry in ClinVar:

NM_006513.4(SARS1):c.447+1G>A

Gene: SARS1 (seryl-tRNA synthetase 1; plus strand). Cytogenetic location: 1p13.3.
Variant type: single nucleotide variant.
Coding change: c.447+1G>A on transcript NM_006513.4 (MANE Select); the canonical splice donor site of the intron after coding-DNA position 447, G replaced by A.
Molecular consequence: splice donor variant.
Genome position (GRCh38, 1-based): chr1:109,229,573, G>A. VCF-style: chr1-109229573-G-A. GRCh37 (hg19) VCF-style: chr1-109772195-G-A.
Other names: c.447+1G>A (NM_001330669.1).
Identifiers: ClinVar variation 3893287 (VCV003893287.1).

ClinVar aggregate classification (germline): Likely pathogenic (1 of 4 stars; one submission).

Conditions:
Neurodevelopmental disorder with microcephaly, ataxia, and seizures. Identifiers: MedGen C4540188, MONDO:0060577, OMIM 617709.

Submission:

Diagnostics Services (NGS), CSIR - Centre For Cellular And Molecular Biology
Classification: Likely pathogenic for Neurodevelopmental disorder with microcephaly, ataxia, and seizures. Last evaluated: 2025-04-11. Review status: criteria provided, single submitter. Criteria: ACMG Guidelines, 2015. Collection method: clinical testing. Allele origin: unknown. Affected: yes. Observed: 1 variant allele, 1 heterozygote.
Comment: The c.447+1G>A variant is not present in publicly available population databases like 1000 Genomes, EVS, gnomAD, Indian Exome Database or our internal database. The variant has neither been published in the literature for SARS1-related conditions nor reported to clinical databases like Human genome Mutation Database (HGMD), OMIM, or ClinVar, in any affected individuals. Algorithms developed to predict the effect of sequence changes on RNA splicing suggest that this variant can disrupt the consensus splice site. In-silico pathogenicity prediction programs like HSF3.1, MutationTaster2021, CADD, Varsome, etc predicted this variant to be likely deleterious however these predictions were not confirmed by published functional/translational studies.